The following is an entry in ClinVar:

NM_002474.3(MYH11):c.5161C>A (p.Leu1721Met)

Genes: NDE1 (nudE neurodevelopment protein 1; plus strand), MYH11 (myosin heavy chain 11; minus strand). Cytogenetic location: 16p13.11.
Variant type: single nucleotide variant.
Coding change: c.5161C>A on transcript NM_002474.3 (MANE Select); coding-DNA position 5161, C replaced by A.
Protein change: p.Leu1721Met; replaces leucine 1721 with methionine.
Molecular consequence: missense variant. On other transcripts: intron variant (2).
Genome position (GRCh38, 1-based): chr16:15,719,230, G>T on the plus strand (C>A on the coding strand, the complement: MYH11 is on the minus strand). VCF-style: chr16-15719230-G-T. GRCh37 (hg19) VCF-style: chr16-15813087-G-T.
Other names: c.5182C>A, p.Leu1728Met (NM_001040113.2, NM_001040114.2); c.5161C>A, p.Leu1721Met (NM_022844.3); c.948-4961G>T (NM_001143979.2, NM_017668.3); short protein forms L1728M, L1721M.
Identifiers: ClinVar variation 928441 (VCV000928441.10), dbSNP rs571517980, ClinGen allele CA7921404.

ClinVar aggregate classification (germline): Uncertain significance. Review status: criteria provided, multiple submitters, no conflicts (2 of 4 stars). 5 submissions from 5 submitters: Uncertain significance (5). Last evaluated 2024-03-06.

Conditions:
Familial thoracic aortic aneurysm and aortic dissection (TAAD). Also called: Thoracic aortic aneurysms and dissections. Identifiers: Orphanet 91387, MedGen C4707243, MONDO:0019625.
Aortic aneurysm, familial thoracic 4 (AAT4). Also called: AORTIC ANEURYSM/AORTIC DISSECTION AND PATENT DUCTUS ARTERIOSUS. Identifiers: MedGen C1851504, MONDO:0007568, OMIM 132900.

Allele frequency attached by ClinVar (database versions not stated): gnomAD 0.00001; gnomAD exomes 0.00001 and 0.00002; ExAC 0.00002; 1000 Genomes Project 0.00020; 1000 Genomes Project 30x 0.00031.
gnomAD v4.1: 5 of 1,613,698 alleles (0.00031%); highest among the groups gnomAD compares: East Asian, 0.011%; no homozygotes.

Submissions (5):

Color Diagnostics, LLC DBA Color Health
Classification: Uncertain significance for Familial thoracic aortic aneurysm and aortic dissection. Last evaluated: 2024-03-06. Review status: criteria provided, single submitter. Criteria: ACMG Guidelines, 2015. Collection method: clinical testing. Allele origin: germline.
Comment: This missense variant replaces leucine with methionine at codon 1728 of the MYH11 protein. Computational prediction suggests that this variant may not impact protein structure and function (internally defined REVEL score threshold <= 0.5, PMID: 27666373). To our knowledge, functional studies have not been reported for this variant. This variant has not been reported in individuals affected with MYH11-related disorders in the literature. This variant has been identified in 6/251136 chromosomes in the general population by the Genome Aggregation Database (gnomAD). The available evidence is insufficient to determine the role of this variant in disease conclusively. Therefore, this variant is classified as a Variant of Uncertain Significance.

All of Us Research Program, National Institutes of Health
Classification: Uncertain significance for Familial thoracic aortic aneurysm and aortic dissection. Last evaluated: 2023-10-23. Review status: criteria provided, single submitter. Criteria: ACMG Guidelines, 2015. Collection method: clinical testing. Allele origin: germline. Inheritance: Autosomal dominant inheritance. Observed: 2 variant alleles, 2 heterozygotes.
Comment: This missense variant replaces leucine with methionine at codon 1728 of the MYH11 protein. Computational prediction suggests that this variant may not impact protein structure and function (internally defined REVEL score threshold <= 0.5, PMID: 27666373). To our knowledge, functional studies have not been reported for this variant. This variant has not been reported in individuals affected with cardiovascular disorders in the literature. This variant has been identified in 6/251136 chromosomes in the general population by the Genome Aggregation Database (gnomAD). The available evidence is insufficient to determine the role of this variant in disease conclusively. Therefore, this variant is classified as a Variant of Uncertain Significance.

This study involves interpretation of variants in research participants for the purpose of population health screening. Participant phenotype was not available at the time of variant classification. Additional details can be found in publication PMID: 35346344, PMCID: PMC8962531

Ambry Genetics
Classification: Uncertain significance for Familial thoracic aortic aneurysm and aortic dissection. Last evaluated: 2023-03-23. Review status: criteria provided, single submitter. Criteria: Ambry Variant Classification Scheme 2023. Collection method: clinical testing. Allele origin: germline.
Comment: The p.L1721M variant (also known as c.5161C>A), located in coding exon 35 of the MYH11 gene, results from a C to A substitution at nucleotide position 5161. The leucine at codon 1721 is replaced by methionine, an amino acid with highly similar properties. This amino acid position is conserved. In addition, this alteration is predicted to be tolerated by in silico analysis. Since supporting evidence is limited at this time, the clinical significance of this alteration remains unclear.

CHEO Genetics Diagnostic Laboratory, Children's Hospital of Eastern Ontario
Classification: Uncertain significance for Familial thoracic aortic aneurysm and aortic dissection. Last evaluated: 2022-12-30. Review status: criteria provided, single submitter. Criteria: ACMG Guidelines, 2015. Collection method: clinical testing. Allele origin: germline.

Labcorp Genetics (formerly Invitae), Labcorp
Classification: Uncertain significance for Aortic aneurysm, familial thoracic 4. Last evaluated: 2021-12-17. Review status: criteria provided, single submitter. Criteria: Invitae Variant Classification Sherloc (09022015). Collection method: clinical testing. Allele origin: germline.
Comment: This sequence change replaces leucine, which is neutral and non-polar, with methionine, which is neutral and non-polar, at codon 1728 of the MYH11 protein (p.Leu1728Met). This variant is present in population databases (rs571517980, gnomAD 0.03%). This variant has not been reported in the literature in individuals affected with MYH11-related conditions. ClinVar contains an entry for this variant (Variation ID: 928441). Algorithms developed to predict the effect of missense changes on protein structure and function (SIFT, PolyPhen-2, Align-GVGD) all suggest that this variant is likely to be tolerated. In summary, the available evidence is currently insufficient to determine the role of this variant in disease. Therefore, it has been classified as a Variant of Uncertain Significance.